The following is an entry in ClinVar:

NM_032553.3(GPR174):c.222G>A (p.Leu74=)

Gene: GPR174 (G protein-coupled receptor 174; plus strand). Cytogenetic location: Xq21.1.
Variant type: single nucleotide variant.
Coding change: c.222G>A on transcript NM_032553.3 (MANE Select); coding-DNA position 222, G replaced by A.
Protein change: p.Leu74=; no amino-acid change (leucine 74 retained).
Molecular consequence: synonymous variant.
Genome position (GRCh38, 1-based): chrX:79,171,229, G>A. VCF-style: chrX-79171229-G-A. GRCh37 (hg19) VCF-style: chrX-78426726-G-A.
Identifiers: ClinVar variation 3042309 (VCV003042309.2), dbSNP rs2519908420, ClinGen allele CA517476236.

ClinVar aggregate classification (germline): Likely benign (0 of 4 stars; one submission).

Conditions:
GPR174-related disorder. Also called: GPR174-related condition.

Submission:

PreventionGenetics, part of Exact Sciences
Classification: Likely benign for GPR174-related condition. Last evaluated: 2019-05-15. Review status: no assertion criteria provided. Collection method: clinical testing. Allele origin: germline.
Comment: This variant is classified as likely benign based on ACMG/AMP sequence variant interpretation guidelines (Richards et al. 2015 PMID: 25741868, with internal and published modifications).